The following is an entry in ClinVar:

ClinVar aggregate classification (germline): Uncertain significance (1 of 4 stars; one submission).

Submission:

Labcorp Genetics (formerly Invitae), Labcorp
Classification: Uncertain significance. Last evaluated: 2022-06-15. Review status: criteria provided, single submitter. Criteria: Invitae Variant Classification Sherloc (09022015). Collection method: clinical testing. Allele origin: germline.
Comment: A copy number gain of the genomic region encompassing the full coding sequence of the THBD gene has been identified. The boundaries of this event are unknown as they extend beyond the assayed region for this gene and therefore may encompass additional genes. As the precise location of this event is unknown, it may be in tandem or it may be located elsewhere in the genome. This variant has not been reported in the literature in individuals affected with THBD-related conditions. Experimental studies and prediction algorithms are not available or were not evaluated, and the functional significance of this variant is currently unknown. In summary, the available evidence is currently insufficient to determine the role of this variant in disease. Therefore, it has been classified as a Variant of Uncertain Significance.

NC_000020.10:g.(?_23028414)_(23030292_?)dup

Gene: THBD (thrombomodulin; minus strand). Cytogenetic location: 20p11.21.
Variant type: Duplication.
Identifiers: ClinVar variation 2422961 (VCV002422961.3).